The following is an entry in ClinVar:

NM_003060.4(SLC22A5):c.105dup (p.Gly36fs)

Gene: SLC22A5 (solute carrier family 22 member 5; plus strand). Cytogenetic location: 5q31.1.
Variant type: Duplication.
Coding change: c.105dup on transcript NM_003060.4 (MANE Select); coding-DNA position 105, one base duplicated (C; older notation c.105dupC).
Protein change: p.Gly36fs; shifts the reading frame from glycine 36.
Molecular consequence: frameshift variant.
Genome position (GRCh38, 1-based): chr5:132,370,077, C duplicated; the last of 2 consecutive C bases (chr5:132,370,076-132,370,077); duplicating either gives the same sequence. VCF-style (leftmost placement, unchanged base first): chr5-132370075-A-AC. GRCh37 (hg19) VCF-style: chr5-131705767-A-AC.
Other names: c.105dup, p.Gly36fs (NM_001308122.2); short protein forms G36fs.
Identifiers: ClinVar variation 5011806 (VCV005011806.1).

ClinVar aggregate classification (germline): Pathogenic (1 of 4 stars; one submission).

Conditions:
Renal carnitine transport defect (CDSP). Also called: CARNITINE DEFICIENCY, SYSTEMIC, DUE TO DEFECT IN RENAL REABSORPTION OF CARNITINE; CARNITINE TRANSPORTER, PLASMA-MEMBRANE, DEFICIENCY OF; CARNITINE UPTAKE DEFECT; Primary carnitine deficiency; Systemic primary carnitine deficiency; Carnitine transporter deficiency. Identifiers: Orphanet 158, MedGen C0342788, MONDO:0008919, OMIM 212140.

Submission:

Myriad Genetics, Inc.
Classification: Pathogenic for Renal carnitine transport defect. Last evaluated: 2023-09-27. Review status: criteria provided, single submitter. Criteria: Myriad Autosomal Dominant, Autosomal Recessive and X-Linked Classification Criteria (2023). Collection method: clinical testing. Allele origin: unknown.
Comment: NM_003060.3(SLC22A5):c.105dupC(G36Rfs*102) is expected to be pathogenic in the context of primary carnitine deficiency. This variant is predicted to lead to an abnormal or absent protein product due to the creation of a premature termination codon in SLC22A5, a gene where loss-of-function variants are known to be pathogenic. Please note: this variant was assessed in the context of healthy population screening.